The following is an entry in ClinVar:

NM_001161352.2(KCNMA1):c.555T>C (p.Phe185=)

Gene: KCNMA1 (potassium calcium-activated channel subfamily M alpha 1; minus strand). Cytogenetic location: 10q22.3.
Variant type: single nucleotide variant.
Coding change: c.555T>C on transcript NM_001161352.2 (MANE Select); coding-DNA position 555, T replaced by C.
Protein change: p.Phe185=; no amino-acid change (phenylalanine 185 retained).
Molecular consequence: synonymous variant. On other transcripts: 5 prime UTR variant (1).
Genome position (GRCh38, 1-based): chr10:77,251,242, A>G on the plus strand (T>C on the coding strand, the complement: KCNMA1 is on the minus strand). VCF-style: chr10-77251242-A-G. GRCh37 (hg19) VCF-style: chr10-79011000-A-G.
Other names: c.555T>C, p.Phe185= (NM_001014797.3, NM_001161353.2, NM_001271519.2 and 9 more transcripts); c.393T>C, p.Phe131= (NM_001271518.2); c.-62T>C (NM_001322838.2); c.687T>C, p.Phe229= (NM_001437422.1).
Identifiers: ClinVar variation 5040398 (VCV005040398.1).

ClinVar aggregate classification (germline): Uncertain significance (1 of 4 stars; one submission).

gnomAD v4.1: 1 of 1,612,152 alleles (0.000062%); highest among the groups gnomAD compares: Admixed American, 0.0017%; no homozygotes.

Submission:

CeGaT Center for Human Genetics Tuebingen
Classification: Uncertain significance. Last evaluated: 2026-08-01. Review status: criteria provided, single submitter. Criteria: CeGaT Center For Human Genetics Tuebingen Variant Classification Criteria Version 2. Collection method: clinical testing. Allele origin: germline. Affected: yes. Observed: 1 variant allele.
Comment: KCNMA1: PM2, BP4